The following is an entry in ClinVar:

NM_000202.8(IDS):c.284_287del (p.Arg95fs)

Gene: IDS (iduronate 2-sulfatase; minus strand). Cytogenetic location: Xq28.
Variant type: Deletion.
Coding change: c.284_287del on transcript NM_000202.8 (MANE Select); coding-DNA positions 284 to 287, 4 bases deleted (GGAG; older notation c.284_287delGGAG).
Protein change: p.Arg95fs; shifts the reading frame from arginine 95.
Molecular consequence: frameshift variant. On other transcripts: non-coding transcript variant (1), splice acceptor variant (1).
Genome position (GRCh38, 1-based): chrX:149,503,443-149,503,446, CTCC deleted on the plus strand (GGAG on the coding strand, the reverse complement: IDS is on the minus strand). VCF-style (leftmost placement, unchanged base first): chrX-149503442-TCTCC-T. GRCh37 (hg19) VCF-style: chrX-148584972-TCTCC-T.
Other names: c.284_287del, p.Arg95fs (NM_006123.5); c.15-1_17del (NM_001166550.4); short protein forms R95fs.
Identifiers: ClinVar variation 3255652 (VCV003255652.2).
Genomic context (GRCh38, chrX:149,503,442, plus strand): 5'-GAAGTTTCCAGCGTGCACCCTCCAGTAGGAGTTGAAGTCGTACAGGCGGGTGGTGTCAGG[TCTCC>T]TGCCAGTGAGGAAAGAAACGCGGCTCGGGGCGCACACTGCTTGCTGTTAGGGAGCAGAAG-3'

ClinVar aggregate classification (germline): Pathogenic (1 of 4 stars; one submission).

Conditions:
Mucopolysaccharidosis, MPS-II (MPS2). Also called: Hunter Syndrome; IDURONATE 2-SULFATASE DEFICIENCY; Mucopolysaccharidosis Type II; Mucopolysaccharidosis type 2; Attenuated MPS (subtype; formerly known as mild MPS II); Severe MPS II. Identifiers: Orphanet 580, Orphanet 79388, MedGen C0026705, MONDO:0010674, OMIM 309900.

Submission:

Laboratory of Diagnosis and Therapy of Lysosomal Disorders, University of Padova
Classification: Pathogenic for Mucopolysaccharidosis, MPS-II. Last evaluated: 2024-06-07. Review status: criteria provided, single submitter. Criteria: ACMG Guidelines, 2015. Collection method: literature only. Allele origin: germline. Affected: yes. Observed: 1 variant allele.
Comment: Null variant (PVS1_VeryStrong), Absent from controls (or at low frequency) in gnomAD database (PM2_Moderate), Patient’s phenotype or family history highly specific for the disease (PP4_Moderate)

Classification method: ACMG Guidelines [PMID:25741868] with modifications

Literature cited by the submitters: PubMed 35916809.